The following is an entry in ClinVar:

ClinVar aggregate classification (germline): Uncertain significance (1 of 4 stars; one submission).

Conditions:
Cardiovascular phenotype. Identifiers: MedGen CN230736.

gnomAD v4.1: 2 of 1,614,056 alleles (0.00012%); highest among the groups gnomAD compares: Non-Finnish European, 0.00017%; no homozygotes.

Submission:

Ambry Genetics
Classification: Uncertain significance for Cardiovascular phenotype. Last evaluated: 2024-02-28. Review status: criteria provided, single submitter. Criteria: Ambry Variant Classification Scheme 2023. Collection method: clinical testing. Allele origin: germline.
Comment: The p.E174K variant (also known as c.520G>A), located in coding exon 1 of the KCND3 gene, results from a G to A substitution at nucleotide position 520. The glutamic acid at codon 174 is replaced by lysine, an amino acid with similar properties. This amino acid position is highly conserved in available vertebrate species. In addition, this alteration is predicted to be deleterious by in silico analysis. Since supporting evidence is limited at this time, the clinical significance of this alteration remains unclear.

NM_001378969.1(KCND3):c.520G>A (p.Glu174Lys)

Gene: KCND3 (potassium voltage-gated channel subfamily D member 3; minus strand). Cytogenetic location: 1p13.2.
Variant type: single nucleotide variant.
Coding change: c.520G>A on transcript NM_001378969.1 (MANE Select); coding-DNA position 520, G replaced by A.
Protein change: p.Glu174Lys; replaces glutamic acid 174 with lysine.
Molecular consequence: missense variant.
Genome position (GRCh38, 1-based): chr1:111,982,207, C>T on the plus strand (G>A on the coding strand, the complement: KCND3 is on the minus strand). VCF-style: chr1-111982207-C-T. GRCh37 (hg19) VCF-style: chr1-112524829-C-T.
Other names: c.520G>A, p.Glu174Lys (NM_001378970.1, NM_004980.5, NM_172198.3); short protein forms E174K.
Identifiers: ClinVar variation 1746094 (VCV001746094.2), dbSNP rs767907252, ClinGen allele CA341821951.